The following is an entry in ClinVar:

NM_001077418.3(TMEM231):c.380A>C (p.Gln127Pro)

Gene: TMEM231 (transmembrane protein 231; minus strand). Cytogenetic location: 16q23.1.
Variant type: single nucleotide variant.
Coding change: c.380A>C on transcript NM_001077418.3 (MANE Select); coding-DNA position 380, A replaced by C.
Protein change: p.Gln127Pro; replaces glutamine 127 with proline.
Molecular consequence: missense variant. On other transcripts: non-coding transcript variant (1).
Genome position (GRCh38, 1-based): chr16:75,545,884, T>G on the plus strand (A>C on the coding strand, the complement: TMEM231 is on the minus strand). VCF-style: chr16-75545884-T-G. GRCh37 (hg19) VCF-style: chr16-75579782-T-G.
Other names: c.539A>C, p.Gln180Pro (NM_001077416.2); short protein forms Q127P, Q180P.
Identifiers: ClinVar variation 936566 (VCV000936566.1), dbSNP rs1202833405, ClinGen allele CA396807033.

ClinVar aggregate classification (germline): Uncertain significance (1 of 4 stars; one submission).

Conditions:
Joubert syndrome 20 (JBTS20). Identifiers: Orphanet 475, MedGen C3554235, MONDO:0013994, OMIM 614970.
Meckel syndrome, type 11 (MKS11). Identifiers: Orphanet 564, MedGen C3809352, MONDO:0014164, OMIM 615397.

Allele frequency attached by ClinVar (database versions not stated): gnomAD exomes 0.00001.
gnomAD v4.1: 3 of 1,467,672 alleles (0.0002%); highest among the groups gnomAD compares: Admixed American, 0.0045%; no homozygotes.

Submission:

Labcorp Genetics (formerly Invitae), Labcorp
Classification: Uncertain significance for Joubert syndrome 20; Meckel syndrome, type 11. Last evaluated: 2019-09-13. Review status: criteria provided, single submitter. Criteria: Invitae Variant Classification Sherloc (09022015). Collection method: clinical testing. Allele origin: germline.
Comment: This sequence change replaces glutamine with proline at codon 180 of the TMEM231 protein (p.Gln180Pro). The glutamine residue is moderately conserved and there is a moderate physicochemical difference between glutamine and proline. The frequency data for this variant in the population databases is considered unreliable, as metrics indicate insufficient coverage at this position in the ExAC database. This variant has not been reported in the literature in individuals with TMEM231-related conditions. Algorithms developed to predict the effect of missense changes on protein structure and function are either unavailable or do not agree on the potential impact of this missense change (SIFT: "Deleterious"; PolyPhen-2: "Not Available"; Align-GVGD: "Class C0"). In summary, the available evidence is currently insufficient to determine the role of this variant in disease. Therefore, it has been classified as a Variant of Uncertain Significance.